The following is an entry in ClinVar:

NM_001754.5(RUNX1):c.1219T>C (p.Tyr407His)

Gene: RUNX1 (RUNX family transcription factor 1; minus strand). Cytogenetic location: 21q22.12.
Variant type: single nucleotide variant.
Coding change: c.1219T>C on transcript NM_001754.5 (MANE Select); coding-DNA position 1219, T replaced by C.
Protein change: p.Tyr407His; replaces tyrosine 407 with histidine.
Molecular consequence: missense variant.
Genome position (GRCh38, 1-based): chr21:34,792,359, A>G on the plus strand (T>C on the coding strand, the complement: RUNX1 is on the minus strand). VCF-style: chr21-34792359-A-G. GRCh37 (hg19) VCF-style: chr21-36164656-A-G.
Other names: NM_001754.5(RUNX1):c.1219T>C; p.Tyr407His; c.1138T>C, p.Tyr380His (NM_001001890.3); short protein forms Y380H, Y407H.
Identifiers: ClinVar variation 941820 (VCV000941820.14), dbSNP rs1262717333, ClinGen allele CA410147752.
Genomic context (GRCh38, chr21:34,792,359, plus strand): 5'-GCGGCGGCGAGCGCTCGCCGCCCACCATGGAGAACTGGTAGGAGCCGGCCGAGGCGCCGT[A>G]GTACAGGTGGTAGGAGGGCGAGCTGGCTTGGAACGGGCCTCCCTGCGCTTGCGACGAGCC-3'
Protein context (NP_001745.2, residues 397-417): QASSPSYHLY[Tyr407His]GASAGSYQFS

ClinVar aggregate classification (germline): Uncertain significance. Review status: reviewed by expert panel (3 of 4 stars). 4 submissions from 4 submitters: Uncertain significance (1). 3 of the submissions do not count toward it. Last evaluated 2025-05-02.

Conditions:
Hereditary thrombocytopenia and hematologic cancer predisposition syndrome. Identifiers: Orphanet 71290, MedGen CN281654, MONDO:0011071.
Inborn genetic diseases. Identifiers: MedGen C0950123, MeSH D030342.
Hereditary thrombocytopenia and hematological cancer predisposition syndrome associated with RUNX1. Also called: PLATELET DISORDER, ASPIRIN-LIKE; Familial Platelet Disorder with Propensity to Acute Myelogenous Leukemia; Familial thrombocytopenia with propensity to acute myelogenous leukemia; RUNX1 Familial Platelet Disorder with Associated Myeloid Malignancies. Identifiers: Orphanet 71290, MedGen C1832388, MeSH C563324, MONDO:0100083, OMIM 601399.

Allele frequency attached by ClinVar (database versions not stated): gnomAD exomes below 0.00001 and 0.00001; gnomAD 0.00001; TOPMed 0.00001.
gnomAD v4.1: 4 of 1,550,476 alleles (0.00026%); highest among the groups gnomAD compares: Non-Finnish European, 0.00035%; no homozygotes.

Submissions (4):

ClinGen Myeloid Malignancy Variant Curation Expert Panel
Classification: Uncertain significance for Hereditary thrombocytopenia and hematologic cancer predisposition syndrome. Last evaluated: 2025-05-02. Review status: reviewed by expert panel. Criteria: ClinGen MyeloMalig ACMG Specifications v2. Collection method: curation. Allele origin: germline. Inheritance: Autosomal dominant inheritance.
Comment: NM_001754.5(RUNX1):c.1219T>C (p.Tyr407His) is a missense variant which has a REVEL score < 0.50 (0.404) and a SpliceAI score ≤ 0.20, indicating no predicted impact on splicing (BP4). In summary, the clinical significance of this variant is uncertain. ACMG/AMP criteria applied, as specified by the Myeloid Malignancy Variant Curation Expert Panel for RUNX1: BP4.

Ambry Genetics
Classification: Uncertain significance for Inborn genetic diseases. Last evaluated: 2025-05-23. Review status: criteria provided, single submitter. Criteria: Ambry Variant Classification Scheme 2023. Collection method: clinical testing. Allele origin: germline. Not counted in ClinVar's aggregate classification.
Comment: The p.Y407H variant (also known as c.1219T>C), located in coding exon 8 of the RUNX1 gene, results from a T to C substitution at nucleotide position 1219. The tyrosine at codon 407 is replaced by histidine, an amino acid with similar properties. This amino acid position is conserved. In addition, the in silico prediction for this alteration is inconclusive. Based on the available evidence, the clinical significance of this variant remains unclear.

Labcorp Genetics (formerly Invitae), Labcorp
Classification: Uncertain significance for Hereditary thrombocytopenia and hematological cancer predisposition syndrome associated with RUNX1. Last evaluated: 2023-12-13. Review status: criteria provided, single submitter. Criteria: Invitae Variant Classification Sherloc (09022015). Collection method: clinical testing. Allele origin: germline. Not counted in ClinVar's aggregate classification.
Comment: This sequence change replaces tyrosine, which is neutral and polar, with histidine, which is basic and polar, at codon 407 of the RUNX1 protein (p.Tyr407His). The frequency data for this variant in the population databases is considered unreliable, as metrics indicate poor data quality at this position in the gnomAD database. This variant has not been reported in the literature in individuals affected with RUNX1-related conditions. ClinVar contains an entry for this variant (Variation ID: 941820). Advanced modeling of protein sequence and biophysical properties (such as structural, functional, and spatial information, amino acid conservation, physicochemical variation, residue mobility, and thermodynamic stability) performed at Invitae indicates that this missense variant is not expected to disrupt RUNX1 protein function with a negative predictive value of 80%. In summary, the available evidence is currently insufficient to determine the role of this variant in disease. Therefore, it has been classified as a Variant of Uncertain Significance.

GeneDx
Classification: Uncertain significance. Last evaluated: 2022-04-13. Review status: criteria provided, single submitter. Criteria: GeneDx Variant Classification Process June 2021. Collection method: clinical testing. Allele origin: germline. Affected: yes. Not counted in ClinVar's aggregate classification.
Comment: Has not been previously published as pathogenic or benign to our knowledge; Not observed at significant frequency in large population cohorts (gnomAD); In silico analysis supports that this missense variant has a deleterious effect on protein structure/function